The following is an entry in ClinVar:

ClinVar aggregate classification (germline): Likely benign (0 of 4 stars; one submission).

Conditions:
SEMA3B-related disorder. Also called: SEMA3B-related condition.

Allele frequency attached by ClinVar (database versions not stated): gnomAD exomes 0.00003; ExAC 0.00004; TOPMed 0.00002.
gnomAD v4.1: 47 of 1,612,904 alleles (0.0029%); highest among the groups gnomAD compares: Non-Finnish European, 0.0036%; no homozygotes.

Submission:

PreventionGenetics, part of Exact Sciences
Classification: Likely benign for SEMA3B-related condition. Last evaluated: 2023-12-11. Review status: no assertion criteria provided. Collection method: clinical testing. Allele origin: germline.
Comment: This variant is classified as likely benign based on ACMG/AMP sequence variant interpretation guidelines (Richards et al. 2015 PMID: 25741868, with internal and published modifications).

NM_001290060.2(SEMA3B):c.222T>C (p.His74=)

Gene: SEMA3B (semaphorin 3B; plus strand). Cytogenetic location: 3p21.31.
Variant type: single nucleotide variant.
Coding change: c.222T>C on transcript NM_001290060.2 (MANE Select); coding-DNA position 222, T replaced by C.
Protein change: p.His74=; no amino-acid change (histidine 74 retained).
Molecular consequence: synonymous variant.
Genome position (GRCh38, 1-based): chr3:50,270,239, T>C. VCF-style: chr3-50270239-T-C. GRCh37 (hg19) VCF-style: chr3-50307670-T-C.
Other names: c.222T>C, p.His74= (NM_001005914.3, NM_001290061.1, NM_004636.4).
Identifiers: ClinVar variation 3051968 (VCV003051968.2), dbSNP rs782722065, ClinGen allele CA2413677.
Genomic context (GRCh38, chr3:50,270,239, plus strand): 5'-CTACCAGGCCTTGCTGGTGGATGAGGAGCGTGGACGCCTGTTTGTGGGTGCCGAGAACCA[T>C]GTGGCCTCCCTCAACCTGGACAACATCAGCAAGCGGGCCAAGAAGGTGCCAGGGACTCCC-3'
Protein context (NP_001276989.1, residues 64-84): RGRLFVGAEN[His74=]VASLNLDNIS